The following is an entry in ClinVar:

ClinVar aggregate classification (germline): Pathogenic (1 of 4 stars; one submission).

Submission:

Labcorp Genetics (formerly Invitae), Labcorp
Classification: Pathogenic. Last evaluated: 2025-01-31. Review status: criteria provided, single submitter. Criteria: Invitae Variant Classification Sherloc (09022015). Collection method: clinical testing. Allele origin: germline.
Comment: This sequence change creates a premature translational stop signal (p.Leu217*) in the DYNC2LI1 gene. It is expected to result in an absent or disrupted protein product. Loss-of-function variants in DYNC2LI1 are known to be pathogenic (PMID: 26077881, 26130459). This variant is not present in population databases (gnomAD no frequency). This variant has not been reported in the literature in individuals affected with DYNC2LI1-related conditions. Algorithms developed to predict the effect of sequence changes on RNA splicing suggest that this variant may disrupt the consensus splice site. For these reasons, this variant has been classified as Pathogenic.

Literature cited by the submitters: PubMed 26077881; PubMed 26130459.

NM_016008.4(DYNC2LI1):c.650del (p.Ser216_Leu217insTer)

Gene: DYNC2LI1 (dynein cytoplasmic 2 light intermediate chain 1; plus strand). Cytogenetic location: 2p21.
Variant type: Deletion.
Coding change: c.650del on transcript NM_016008.4 (MANE Select); coding-DNA position 650, one base deleted (T; older notation c.650delT).
Protein change: p.Ser216_Leu217insTer.
Molecular consequence: nonsense.
Genome position (GRCh38, 1-based): chr2:43,796,791, T deleted; the last of 2 consecutive T bases (chr2:43,796,790-43,796,791); deleting either gives the same sequence. VCF-style (leftmost placement, unchanged base first): chr2-43796789-AT-A. GRCh37 (hg19) VCF-style: chr2-44023928-AT-A.
Other names: c.653del, p.Ser217_Leu218insTer (NM_001193464.2, NM_001348913.2); c.650del, p.Ser216_Leu217insTer (NM_001348912.2).
Identifiers: ClinVar variation 4704259 (VCV004704259.1).